The following is an entry in ClinVar:

NM_001364905.1(LRBA):c.6415A>G (p.Asn2139Asp)

Gene: LRBA (LPS responsive beige-like anchor protein; minus strand). Cytogenetic location: 4q31.3.
Variant type: single nucleotide variant.
Coding change: c.6415A>G on transcript NM_001364905.1 (MANE Select); coding-DNA position 6415, A replaced by G.
Protein change: p.Asn2139Asp; replaces asparagine 2139 with aspartic acid.
Molecular consequence: missense variant.
Genome position (GRCh38, 1-based): chr4:150,490,951, T>C on the plus strand (A>G on the coding strand, the complement: LRBA is on the minus strand). VCF-style: chr4-150490951-T-C. GRCh37 (hg19) VCF-style: chr4-151412103-T-C.
Other names: c.6415A>G, p.Asn2139Asp (NM_001199282.3, NM_001367550.1); c.6448A>G, p.Asn2150Asp (NM_006726.5); short protein forms N2139D, N2150D.
Identifiers: ClinVar variation 662139 (VCV000662139.9), dbSNP rs369815651, ClinGen allele CA3101944.
Genomic context (GRCh38, chr4:150,490,951, plus strand): 5'-TAACAACGTATTTCTGTAACACATTACCTCTGTTTGCCATAAAGATCTCCAGGGCTGTAT[T>C]TTGCAAAAGATAACGACGAGAAAAGATTGATCGTATCTCTGTGAACAGCCATTTTCCATG-3'
Protein context (NP_001351834.1, residues 2129-2149): SIFSRRYLLQ[Asn2139Asp]TALEIFMANR

ClinVar aggregate classification (germline): Uncertain significance. Review status: criteria provided, multiple submitters, no conflicts (2 of 4 stars). 2 submissions from 2 submitters: Uncertain significance (2). Last evaluated 2025-11-20.

Conditions:
Inborn genetic diseases. Identifiers: MedGen C0950123, MeSH D030342.
Combined immunodeficiency due to LRBA deficiency. Also called: Common variable immunodeficiency 8, with autoimmunity. Identifiers: Orphanet 445018, MedGen C3553512, MONDO:0013863, OMIM 614700.

Allele frequency attached by ClinVar (database versions not stated): gnomAD exomes 0.00002; gnomAD 0.00002; ESP Exome Variant Server 0.00008; ExAC 0.00001; TOPMed 0.00002.
gnomAD v4.1: 28 of 1,609,374 alleles (0.0017%); highest among the groups gnomAD compares: Non-Finnish European, 0.0021%; no homozygotes.

Submissions (2):

Ambry Genetics
Classification: Uncertain significance for Inborn genetic diseases. Last evaluated: 2025-11-20. Review status: criteria provided, single submitter. Criteria: Ambry Variant Classification Scheme 2023. Collection method: clinical testing. Allele origin: germline.

Labcorp Genetics (formerly Invitae), Labcorp
Classification: Uncertain significance for Combined immunodeficiency due to LRBA deficiency. Last evaluated: 2021-09-01. Review status: criteria provided, single submitter. Criteria: Invitae Variant Classification Sherloc (09022015). Collection method: clinical testing. Allele origin: germline.
Comment: This sequence change replaces asparagine with aspartic acid at codon 2150 of the LRBA protein (p.Asn2150Asp). The asparagine residue is moderately conserved and there is a small physicochemical difference between asparagine and aspartic acid. This variant is present in population databases (rs369815651, ExAC 0.002%). This variant has not been reported in the literature in individuals affected with LRBA-related conditions. Algorithms developed to predict the effect of missense changes on protein structure and function (SIFT, PolyPhen-2, Align-GVGD) all suggest that this variant is likely to be tolerated. Algorithms developed to predict the effect of sequence changes on RNA splicing suggest that this variant may create or strengthen a splice site. In summary, the available evidence is currently insufficient to determine the role of this variant in disease. Therefore, it has been classified as a Variant of Uncertain Significance.